The following is an entry in ClinVar:

NM_021096.4(CACNA1I):c.776C>T (p.Pro259Leu)

Gene: CACNA1I (calcium voltage-gated channel subunit alpha1 I; plus strand). Cytogenetic location: 22q13.1.
Variant type: single nucleotide variant.
Coding change: c.776C>T on transcript NM_021096.4 (MANE Select); coding-DNA position 776, C replaced by T.
Protein change: p.Pro259Leu; replaces proline 259 with leucine.
Molecular consequence: missense variant.
Genome position (GRCh38, 1-based): chr22:39,640,902, C>T. VCF-style: chr22-39640902-C-T. GRCh37 (hg19) VCF-style: chr22-40036907-C-T.
Other names: c.776C>T, p.Pro259Leu (NM_001003406.2); short protein forms P259L.
Identifiers: ClinVar variation 5033611 (VCV005033611.1).
Genomic context (GRCh38, chr22:39,640,902, plus strand): 5'-TTTACCCACCCTCGCCTGTGGACAGACAAGGGGATGTGGCCTTGCCCCCATACTACCAGC[C>T]GGAGGAGGATGATGAGATGCCCTTCATCTGCTCCCTGTCGGGCGACAATGGGATAATGGG-3'
Protein context (NP_066919.2, residues 249-269): GDVALPPYYQ[Pro259Leu]EEDDEMPFIC

ClinVar aggregate classification (germline): Uncertain significance (1 of 4 stars; one submission).

gnomAD v4.1: 41 of 1,613,548 alleles (0.0025%); highest among the groups gnomAD compares: African/African-American, 0.013%; no homozygotes.

Submission:

Ambry Genetics
Classification: Uncertain significance. Last evaluated: 2026-09-01. Review status: criteria provided, single submitter. Criteria: Ambry Variant Classification Scheme 2023. Collection method: clinical testing. Allele origin: germline.
Comment: The c.776C>T (p.P259L) alteration is located in exon 6 (coding exon 6) of the CACNA1I gene. This alteration results from a C to T substitution at nucleotide position 776, causing the proline (P) at amino acid position 259 to be replaced by a leucine (L). Based on data from gnomAD, the T allele has an overall frequency of 0.003% (8/278492) total alleles studied. The highest observed frequency was 0.017% (4/24066) of African alleles. Based on insufficient or conflicting evidence, the clinical significance of this alteration remains unclear.